The following is an entry in ClinVar:

NM_017514.5(PLXNA3):c.1458C>T (p.Leu486=)

Gene: PLXNA3 (plexin A3; plus strand). Cytogenetic location: Xq28.
Variant type: single nucleotide variant.
Coding change: c.1458C>T on transcript NM_017514.5 (MANE Select); coding-DNA position 1458, C replaced by T.
Protein change: p.Leu486=; no amino-acid change (leucine 486 retained).
Molecular consequence: synonymous variant.
Genome position (GRCh38, 1-based): chrX:154,463,601, C>T. VCF-style: chrX-154463601-C-T. GRCh37 (hg19) VCF-style: chrX-153691944-C-T.
Identifiers: ClinVar variation 4987738 (VCV004987738.1).

ClinVar aggregate classification (germline): Likely benign (1 of 4 stars; one submission).

Conditions:
PLXNA3-related disorder. Also called: PLXNA3-related condition.

gnomAD v4.1: 73 of 1,199,525 alleles (0.0061%); highest among the groups gnomAD compares: Non-Finnish European, 0.0076%; no homozygotes.

Submission:

PreventionGenetics, part of Exact Sciences
Classification: Likely benign for PLXNA3-related condition. Last evaluated: 2026-05-30. Review status: criteria provided, single submitter. Criteria: ACMG Guidelines, 2015. Collection method: clinical testing. Allele origin: germline.
Comment: This variant is classified as likely benign based on ACMG/AMP sequence variant interpretation guidelines (Richards et al. 2015 PMID: 25741868, with internal and published modifications).